The following is an entry in ClinVar:

ClinVar aggregate classification (germline): Uncertain significance (1 of 4 stars; one submission).

Allele frequency attached by ClinVar (database versions not stated): gnomAD exomes below 0.00001.
gnomAD v4.1: 1 of 1,613,816 alleles (0.000062%); highest among the groups gnomAD compares: Admixed American, 0.0017%; no homozygotes.

Submission:

Labcorp Genetics (formerly Invitae), Labcorp
Classification: Uncertain significance. Last evaluated: 2021-08-12. Review status: criteria provided, single submitter. Criteria: Invitae Variant Classification Sherloc (09022015). Collection method: clinical testing. Allele origin: germline.
Comment: This sequence change replaces tyrosine with phenylalanine at codon 333 of the CAPN5 protein (p.Tyr333Phe). The tyrosine residue is moderately conserved and there is a small physicochemical difference between tyrosine and phenylalanine. This variant is not present in population databases (ExAC no frequency). This variant has not been reported in the literature in individuals with CAPN5-related conditions. Algorithms developed to predict the effect of missense changes on protein structure and function are either unavailable or do not agree on the potential impact of this missense change (SIFT: "Tolerated"; PolyPhen-2: "Possibly Damaging"; Align-GVGD: "Class C0"). In summary, the available evidence is currently insufficient to determine the role of this variant in disease. Therefore, it has been classified as a Variant of Uncertain Significance.

NM_004055.5(CAPN5):c.998A>T (p.Tyr333Phe)

Gene: CAPN5 (calpain 5; plus strand). Cytogenetic location: 11q13.5.
Variant type: single nucleotide variant.
Coding change: c.998A>T on transcript NM_004055.5 (MANE Select); coding-DNA position 998, A replaced by T.
Protein change: p.Tyr333Phe; replaces tyrosine 333 with phenylalanine.
Molecular consequence: missense variant.
Genome position (GRCh38, 1-based): chr11:77,118,183, A>T. VCF-style: chr11-77118183-A-T. GRCh37 (hg19) VCF-style: chr11-76829229-A-T.
Other names: short protein forms Y333F.
Identifiers: ClinVar variation 1398235 (VCV001398235.8), dbSNP rs1555042066, ClinGen allele CA381940130.